The following is an entry in ClinVar:

NM_000551.4(VHL):c.482G>C (p.Arg161Pro)

Genes: VHL (von Hippel-Lindau tumor suppressor; plus strand), LOC107303340 (3p25 von Hippel-Lindau tumor suppressor, E3 ubiquitin protein ligase Alu-mediated recombination region; plus strand). Cytogenetic location: 3p25.3.
Variant type: single nucleotide variant.
Coding change: c.482G>C on transcript NM_000551.4 (MANE Select); coding-DNA position 482, G replaced by C.
Protein change: p.Arg161Pro; replaces arginine 161 with proline.
Molecular consequence: missense variant. On other transcripts: 3 prime UTR variant (1).
Genome position (GRCh38, 1-based): chr3:10,149,805, G>C. VCF-style: chr3-10149805-G-C. GRCh37 (hg19) VCF-style: chr3-10191489-G-C.
Other names: c.*36G>C (NM_001354723.2); c.359G>C, p.Arg120Pro (NM_198156.3); short protein forms R120P, R161P.
Identifiers: ClinVar variation 1743417 (VCV001743417.3), dbSNP rs730882035, ClinGen allele CA351756111.

ClinVar aggregate classification (germline): Pathogenic/Likely pathogenic. Review status: criteria provided, multiple submitters, no conflicts (2 of 4 stars). 2 submissions from 2 submitters: Pathogenic (1); Likely pathogenic (1). Last evaluated 2025-09-24.

Conditions:
VHL-related disorder. Also called: VHL-related condition.
Hereditary cancer-predisposing syndrome. Also called: Neoplastic Syndromes, Hereditary; Hereditary neoplastic syndrome; Hereditary Cancer Syndrome; Tumor predisposition. Identifiers: Orphanet 140162, MedGen C0027672, MeSH D009386, MONDO:0015356.

Submissions (2):

PreventionGenetics, part of Exact Sciences
Classification: Likely pathogenic for VHL-related condition. Last evaluated: 2025-09-24. Review status: criteria provided, single submitter. Criteria: ACMG Guidelines, 2015. Collection method: clinical testing. Allele origin: germline.
Comment: The VHL c.482G>C variant is predicted to result in the amino acid substitution p.Arg161Pro. This variant has been reported in individuals with Von Hippel-Lindau syndrome and pheochromocytomas (Zbar et al. 1996. PubMed ID: 8956040; Neumann et al. 2002. PubMed ID: 12000816; Kim et al. 2020. PubMed ID: 33219105). Alternate missense changes at the same amino acid position (p.Arg161Arg, p.Arg161Gly, p.Arg161Gln) have been reported in individuals with Von Hippel-Lindau syndrome and pheochromocytomas (Wonget al. 2016. PubMed ID: 27527340, Glavac et al. 1996. PubMed ID: 8707293, Neumann et al. 2002. PubMed ID: 12000816). This variant has not been reported in a large population database (gnomAD), indicating this variant is rare. This variant is interpreted as likely pathogenic.

Ambry Genetics
Classification: Pathogenic for Hereditary cancer-predisposing syndrome. Last evaluated: 2022-10-06. Review status: criteria provided, single submitter. Criteria: Ambry Variant Classification Scheme 2023. Collection method: clinical testing. Allele origin: germline.
Comment: The p.R161P pathogenic mutation (also known as c.482G>C), located in coding exon 3 of the VHL gene, results from a G to C substitution at nucleotide position 482. The arginine at codon 161 is replaced by proline, an amino acid with dissimilar properties. This alteration has been identified in multiple families with histories consistent with Von Hippel-Lindau syndrome (Zbar B et al. Hum. Mutat., 1996;8:348-57; Ambry internal data), as well as in a patient with pheochromocytoma (Neumann HP et al. N. Engl. J. Med., 2002 May;346:1459-66). This amino acid position is highly conserved in available vertebrate species. This variant is considered to be rare based on population cohorts in the Genome Aggregation Database (gnomAD). Based on the supporting evidence, this alteration is interpreted as a disease-causing mutation.

Literature cited by the submitters: PubMed 12000816 (cited by Ambry Genetics); PubMed 8956040 (cited by Ambry Genetics).